The following is an entry in ClinVar:

NM_052947.4(ALPK2):c.6236C>T (p.Thr2079Met)

Gene: ALPK2 (alpha kinase 2; minus strand). Cytogenetic location: 18q21.31.
Variant type: single nucleotide variant.
Coding change: c.6236C>T on transcript NM_052947.4 (MANE Select); coding-DNA position 6236, C replaced by T.
Protein change: p.Thr2079Met; replaces threonine 2079 with methionine.
Molecular consequence: missense variant.
Genome position (GRCh38, 1-based): chr18:58,503,942, G>A on the plus strand (C>T on the coding strand, the complement: ALPK2 is on the minus strand). VCF-style: chr18-58503942-G-A. GRCh37 (hg19) VCF-style: chr18-56171174-G-A.
Other names: short protein forms T2079M.
Identifiers: ClinVar variation 2450551 (VCV002450551.3), dbSNP rs763356248, ClinGen allele CA8976232.
Genomic context (GRCh38, chr18:58,503,942, plus strand): 5'-TCTCTGGCCCACAGCATCCCTGGAGCCTGGGCTAAGCTGCTTTCCTCACCTTGCATGTCC[G>A]TCACCAGGAGGCAGCCACTTGTTTTCTGGTACACCCAGTGCTGGAAGGTGCAACATTTCT-3'
Protein context (NP_443179.3, residues 2069-2089): YQKTSGCLLV[Thr2079Met]DMQGVGMKLT

ClinVar aggregate classification (germline): Uncertain significance. Review status: criteria provided, multiple submitters, no conflicts (2 of 4 stars). 2 submissions from 2 submitters: Uncertain significance (2). Last evaluated 2023-02-10.

Allele frequency attached by ClinVar (database versions not stated): ExAC 0.00001; gnomAD 0.00002; gnomAD exomes 0.00002; TOPMed 0.00003.
gnomAD v4.1: 37 of 1,613,078 alleles (0.0023%); highest among the groups gnomAD compares: Admixed American, 0.0067%; no homozygotes.

Submissions (2):

Ambry Genetics
Classification: Uncertain significance. Last evaluated: 2023-02-10. Review status: criteria provided, single submitter. Criteria: Ambry Variant Classification Scheme 2023. Collection method: clinical testing. Allele origin: germline.
Comment: The p.T2079M variant (also known as c.6236C>T), located in coding exon 10 of the ALPK2 gene, results from a C to T substitution at nucleotide position 6236. The threonine at codon 2079 is replaced by methionine, an amino acid with similar properties. This amino acid position is conserved. In addition, the in silico prediction for this alteration is inconclusive. Since supporting evidence is limited at this time, the clinical significance of this alteration remains unclear.

Breakthrough Genomics
Classification: Uncertain significance. Review status: criteria provided, single submitter. Criteria: ACMG Guidelines, 2015. Collection method: not provided. Allele origin: germline. Inheritance: Unknown mechanism. Affected: yes.